The following is an entry in ClinVar:

NM_001267550.2(TTN):c.6293G>A (p.Arg2098Gln)

Gene: TTN (titin; minus strand). Cytogenetic location: 2q31.2.
Variant type: single nucleotide variant.
Coding change: c.6293G>A on transcript NM_001267550.2 (MANE Select); coding-DNA position 6293, G replaced by A.
Protein change: p.Arg2098Gln; replaces arginine 2098 with glutamine.
Molecular consequence: missense variant.
Genome position (GRCh38, 1-based): chr2:178,775,571, C>T on the plus strand (G>A on the coding strand, the complement: TTN is on the minus strand). VCF-style: chr2-178775571-C-T. GRCh37 (hg19) VCF-style: chr2-179640298-C-T.
Other names: c.6293G>A, p.Arg2098Gln (NM_133379.5, NM_133378.4, NM_001256850.1); c.6155G>A, p.Arg2052Gln (NM_133432.3, NM_133437.4, NM_003319.4); short protein forms R2052Q, R2098Q.
Identifiers: ClinVar variation 2651721 (VCV002651721.25), dbSNP rs565791174, ClinGen allele CA2005076.

ClinVar aggregate classification (germline): Uncertain significance. Review status: criteria provided, multiple submitters, no conflicts (2 of 4 stars). 2 submissions from 2 submitters: Uncertain significance (2). Last evaluated 2023-08-28.

Allele frequency attached by ClinVar (database versions not stated): gnomAD 0.00001; gnomAD exomes 0.00001; TOPMed 0.00001; ExAC 0.00002; 1000 Genomes Project 30x 0.00016; 1000 Genomes Project 0.00020.
gnomAD v4.1: 21 of 1,614,040 alleles (0.0013%); highest among the groups gnomAD compares: East Asian, 0.0089%; no homozygotes.

Submissions (2):

Revvity Omics, Revvity
Classification: Uncertain significance. Last evaluated: 2023-08-28. Review status: criteria provided, single submitter. Criteria: ACMG Guidelines, 2015. Collection method: clinical testing. Allele origin: germline.

CeGaT Center for Human Genetics Tuebingen
Classification: Uncertain significance. Last evaluated: 2022-07-01. Review status: criteria provided, single submitter. Criteria: CeGaT Center For Human Genetics Tuebingen Variant Classification Criteria Version 2. Collection method: clinical testing. Allele origin: germline. Affected: yes. Observed: 1 variant allele.
Comment: TTN: PM2